The following is an entry in ClinVar:

NM_000051.4(ATM):c.4317T>G (p.Leu1439=)

Gene: ATM (ATM serine/threonine kinase; plus strand). Cytogenetic location: 11q22.3.
Variant type: single nucleotide variant.
Coding change: c.4317T>G on transcript NM_000051.4 (MANE Select); coding-DNA position 4317, T replaced by G.
Protein change: p.Leu1439=; no amino-acid change (leucine 1439 retained).
Molecular consequence: synonymous variant.
Genome position (GRCh38, 1-based): chr11:108,289,682, T>G. VCF-style: chr11-108289682-T-G. GRCh37 (hg19) VCF-style: chr11-108160409-T-G.
Other names: c.4317T>G, p.Leu1439= (NM_001351834.2).
Identifiers: ClinVar variation 1537280 (VCV001537280.9), dbSNP rs2135761736, ClinGen allele CA476673909.
Genomic context (GRCh38, chr11:108,289,682, plus strand): 5'-TCTTGCCATATGTGAGCAAGCAGCTGAAACAAATAATGTTTATAAGAAGCACAGAATTCT[T>G]AAAATATATCACCTGTTTGTTAGTTTATTACTGAAAGATATAAAAAGTGGCTTAGGAGGA-3'
Protein context (NP_000042.3, residues 1429-1449): TNNVYKKHRI[Leu1439=]KIYHLFVSLL

ClinVar aggregate classification (germline): Benign/Likely benign. Review status: criteria provided, multiple submitters, no conflicts (2 of 4 stars). 2 submissions from 2 submitters: Benign (1); Likely benign (1). Last evaluated 2024-05-17.

Conditions:
Familial cancer of breast. Also called: Hereditary breast cancer; BREAST CANCER, FAMILIAL; hereditary breast carcinoma. Identifiers: Orphanet 227535, MedGen C0346153, MONDO:0016419, OMIM 114480. Disease mechanism: loss of function.
Ataxia-telangiectasia syndrome (AT). Also called: Cerebello-oculocutaneous telangiectasia; Immunodeficiency with ataxia telangiectasia; ATAXIA-TELANGIECTASIA, FRESNO VARIANT; Ataxia-telangiectasia, complementation group E; Ataxia-telangiectasia, complementation group D; AT, COMPLEMENTATION GROUP C. Identifiers: Orphanet 100, MedGen C0004135, MONDO:0008840, OMIM 208900.

Submissions (2):

Myriad Genetics, Inc.
Classification: Benign for Familial cancer of breast. Last evaluated: 2024-05-17. Review status: criteria provided, single submitter. Criteria: Myriad Autosomal Dominant, Autosomal Recessive and X-Linked Classification Criteria (2023). Collection method: clinical testing. Allele origin: unknown.
Comment: This variant is considered benign. This variant is a silent/synonymous amino acid change and it is not expected to impact splicing.

Labcorp Genetics (formerly Invitae), Labcorp
Classification: Likely benign for Ataxia-telangiectasia syndrome. Last evaluated: 2021-02-25. Review status: criteria provided, single submitter. Criteria: Invitae Variant Classification Sherloc (09022015). Collection method: clinical testing. Allele origin: germline.